The following is an entry in ClinVar:

ClinVar aggregate classification (germline): Uncertain significance. Review status: criteria provided, multiple submitters, no conflicts (2 of 4 stars). 2 submissions from 2 submitters: Uncertain significance (2). Last evaluated 2025-10-03.

Conditions:
Hereditary cancer-predisposing syndrome. Also called: Neoplastic Syndromes, Hereditary; Tumor predisposition; Hereditary Cancer Syndrome; Hereditary neoplastic syndrome. Identifiers: Orphanet 140162, MedGen C0027672, MeSH D009386, MONDO:0015356.

Allele frequency attached by ClinVar (database versions not stated): gnomAD exomes below 0.00001.
gnomAD v4.1: 1 of 1,614,150 alleles (0.000062%); no homozygotes.

Submissions (2):

Ambry Genetics
Classification: Uncertain significance for Hereditary cancer-predisposing syndrome. Last evaluated: 2025-10-03. Review status: criteria provided, single submitter. Criteria: Ambry Variant Classification Scheme 2023. Collection method: clinical testing. Allele origin: germline.
Comment: The p.K75R variant (also known as c.224A>G), located in coding exon 2 of the CTNNA1 gene, results from an A to G substitution at nucleotide position 224. The lysine at codon 75 is replaced by arginine, an amino acid with highly similar properties. This amino acid position is conserved. In addition, this alteration is predicted to be tolerated by in silico analysis. Based on the available evidence, the clinical significance of this variant remains unclear.

Labcorp Genetics (formerly Invitae), Labcorp
Classification: Uncertain significance. Last evaluated: 2023-08-07. Review status: criteria provided, single submitter. Criteria: Invitae Variant Classification Sherloc (09022015). Collection method: clinical testing. Allele origin: germline.
Comment: In summary, the available evidence is currently insufficient to determine the role of this variant in disease. Therefore, it has been classified as a Variant of Uncertain Significance. Advanced modeling of protein sequence and biophysical properties (such as structural, functional, and spatial information, amino acid conservation, physicochemical variation, residue mobility, and thermodynamic stability) performed at Invitae indicates that this missense variant is not expected to disrupt CTNNA1 protein function. This variant has not been reported in the literature in individuals affected with CTNNA1-related conditions. This variant is not present in population databases (gnomAD no frequency). This sequence change replaces lysine, which is basic and polar, with arginine, which is basic and polar, at codon 75 of the CTNNA1 protein (p.Lys75Arg).

NM_001903.5(CTNNA1):c.224A>G (p.Lys75Arg)

Gene: CTNNA1 (catenin alpha 1; plus strand). Cytogenetic location: 5q31.2.
Variant type: single nucleotide variant.
Coding change: c.224A>G on transcript NM_001903.5 (MANE Select); coding-DNA position 224, A replaced by G.
Protein change: p.Lys75Arg; replaces lysine 75 with arginine.
Molecular consequence: missense variant. On other transcripts: intron variant (2).
Genome position (GRCh38, 1-based): chr5:138,783,295, A>G. VCF-style: chr5-138783295-A-G. GRCh37 (hg19) VCF-style: chr5-138118984-A-G.
Other names: c.224A>G, p.Lys75Arg (NM_001290307.3, NM_001323982.2, NM_001323983.1 and 3 more transcripts); c.-6+23A>G (NM_001290310.3); c.-9+1266A>G (NM_001290309.3); c.224A>G (NM_001903.2); short protein forms K75R.
Identifiers: ClinVar variation 2917546 (VCV002917546.4), dbSNP rs2532178903, ClinGen allele CA361477520.